The following is an entry in ClinVar:

NM_014112.5(TRPS1):c.2947dup (p.Ser983fs)

Gene: TRPS1 (transcriptional repressor GATA binding 1; minus strand). Cytogenetic location: 8q23.3.
Variant type: Duplication.
Coding change: c.2947dup on transcript NM_014112.5 (MANE Select); coding-DNA position 2947, one base duplicated (A; older notation c.2947dupA).
Protein change: p.Ser983fs; shifts the reading frame from serine 983.
Molecular consequence: frameshift variant.
Genome position (GRCh38, 1-based): chr8:115,414,961, T duplicated on the plus strand (A on the coding strand, the reverse complement: TRPS1 is on the minus strand). VCF-style (leftmost placement, unchanged base first): chr8-115414960-C-CT. GRCh37 (hg19) VCF-style: chr8-116427188-C-CT.
Other names: c.2920dup, p.Ser974fs (NM_001282902.3); c.2926dup, p.Ser976fs (NM_001282903.3); c.2908dup, p.Ser970fs (NM_001330599.2); short protein forms S970fs, S974fs, S976fs, S983fs.
Identifiers: ClinVar variation 2629638 (VCV002629638.1), dbSNP rs2536583013, ClinGen allele CA2695201513.

ClinVar aggregate classification (germline): Likely pathogenic (1 of 4 stars; one submission).

Conditions:
TRPS1-related disorder. Also called: TRPS1-related condition.

Submission:

PreventionGenetics, part of Exact Sciences
Classification: Likely pathogenic for TRPS1-related condition. Last evaluated: 2023-01-03. Review status: criteria provided, single submitter. Criteria: ACMG Guidelines, 2015. Collection method: clinical testing. Allele origin: germline.
Comment: The TRPS1 c.2947dupA variant is predicted to result in a frameshift and premature protein termination (p.Ser983Lysfs*3). To our knowledge, this variant has not been reported in the literature or in a large population database, indicating this variant is rare. Frameshift variants in TRPS1 are expected to be pathogenic. This variant is interpreted as likely pathogenic.